The following is an entry in ClinVar:

ClinVar aggregate classification (germline): Uncertain significance (1 of 4 stars; one submission).

Conditions:
3-methylglutaconic aciduria, type VIIB (MGCA7B). Also called: 3-methylglutaconic aciduria with cataracts, neurologic involvement and neutropenia; 3-methylglutaconic aciduria, type VII, with cataracts, neurologic involvement and neutropenia; CLPB Deficiency. Identifiers: Orphanet 445038, MedGen C5676893, MONDO:0014561, OMIM 616271.

Allele frequency attached by ClinVar (database versions not stated): gnomAD exomes 0.00001 and 0.00003; ExAC 0.00005; ESP Exome Variant Server 0.00015; gnomAD 0.00006 and 0.00007; TOPMed 0.00007.
gnomAD v4.1: 22 of 1,614,054 alleles (0.0014%); highest among the groups gnomAD compares: African/African-American, 0.017%; no homozygotes.

Submission:

Labcorp Genetics (formerly Invitae), Labcorp
Classification: Uncertain significance for 3-methylglutaconic aciduria, type VIIB. Last evaluated: 2025-11-19. Review status: criteria provided, single submitter. Criteria: Invitae Variant Classification Sherloc (09022015). Collection method: clinical testing. Allele origin: germline.
Comment: This sequence change replaces arginine, which is basic and polar, with cysteine, which is neutral and slightly polar, at codon 690 of the CLPB protein (p.Arg690Cys). This variant is present in population databases (rs140963713, gnomAD 0.04%). This variant has not been reported in the literature in individuals affected with CLPB-related conditions. ClinVar contains an entry for this variant (Variation ID: 1421973). An algorithm developed to predict the effect of missense changes on protein structure and function (PolyPhen-2) suggests that this variant is likely to be disruptive. In summary, the available evidence is currently insufficient to determine the role of this variant in disease. Therefore, it has been classified as a Variant of Uncertain Significance.

NM_001258392.3(CLPB):c.1978C>T (p.Arg660Cys)

Gene: CLPB (ClpB family mitochondrial disaggregase; minus strand). Cytogenetic location: 11q13.4.
Variant type: single nucleotide variant.
Coding change: c.1978C>T on transcript NM_001258392.3 (MANE Select); coding-DNA position 1978, C replaced by T.
Protein change: p.Arg660Cys; replaces arginine 660 with cysteine.
Molecular consequence: missense variant.
Genome position (GRCh38, 1-based): chr11:72,293,423, G>A on the plus strand (C>T on the coding strand, the complement: CLPB is on the minus strand). VCF-style: chr11-72293423-G-A. GRCh37 (hg19) VCF-style: chr11-72004467-G-A.
Other names: c.1891C>T, p.Arg631Cys (NM_001258393.3); c.1933C>T, p.Arg645Cys (NM_001258394.3); c.2068C>T, p.Arg690Cys (NM_030813.6); short protein forms R645C, R690C, R631C, R660C.
Identifiers: ClinVar variation 1421973 (VCV001421973.8), dbSNP rs140963713, ClinGen allele CA6170979.